The following is an entry in ClinVar:

NM_002336.3(LRP6):c.128C>G (p.Ala43Gly)

Gene: LRP6 (LDL receptor related protein 6; minus strand). Cytogenetic location: 12p13.2.
Variant type: single nucleotide variant.
Coding change: c.128C>G on transcript NM_002336.3 (MANE Select); coding-DNA position 128, C replaced by G.
Protein change: p.Ala43Gly; replaces alanine 43 with glycine.
Molecular consequence: missense variant. On other transcripts: 5 prime UTR variant (2), non-coding transcript variant (1), intron variant (1).
Genome position (GRCh38, 1-based): chr12:12,244,583, G>C on the plus strand (C>G on the coding strand, the complement: LRP6 is on the minus strand). VCF-style: chr12-12244583-G-C. GRCh37 (hg19) VCF-style: chr12-12397517-G-C.
Other names: c.128C>G, p.Ala43Gly (NM_001414244.1, NM_001414245.1, NM_001414246.1 and 6 more transcripts); c.-326C>G (NM_001414253.1); c.-322C>G (NM_001414254.1); c.-5+22098C>G (NM_001414252.1); short protein forms A43G.
Identifiers: ClinVar variation 4702921 (VCV004702921.1).
Genomic context (GRCh38, chr12:12,244,583, plus strand): 5'-CCATGACTAAACACAAAGTCCACCGCAGCTGCATCCTCCAAGCCTCCAACTACAATCGTA[G>C]CATTCTCTTTGCCATTTGTAGCATCAACCAATCGCAAGTCCCGTCTGTTTGCATAAAGCA-3'
Protein context (NP_002327.2, residues 33-53): LVDATNGKEN[Ala43Gly]TIVVGGLEDA

ClinVar aggregate classification (germline): Uncertain significance (1 of 4 stars; one submission).

gnomAD v4.1: 1 of 1,614,130 alleles (0.000062%); highest among the groups gnomAD compares: Non-Finnish European, 0.000085%; no homozygotes.

Submission:

Labcorp Genetics (formerly Invitae), Labcorp
Classification: Uncertain significance. Last evaluated: 2025-08-03. Review status: criteria provided, single submitter. Criteria: Invitae Variant Classification Sherloc (09022015). Collection method: clinical testing. Allele origin: germline.
Comment: This sequence change replaces alanine, which is neutral and non-polar, with glycine, which is neutral and non-polar, at codon 43 of the LRP6 protein (p.Ala43Gly). This variant is not present in population databases (gnomAD no frequency). This variant has not been reported in the literature in individuals affected with LRP6-related conditions. Invitae Evidence Modeling of protein sequence and biophysical properties (such as structural, functional, and spatial information, amino acid conservation, physicochemical variation, residue mobility, and thermodynamic stability) indicates that this missense variant is not expected to disrupt LRP6 protein function with a negative predictive value of 80%. In summary, the available evidence is currently insufficient to determine the role of this variant in disease. Therefore, it has been classified as a Variant of Uncertain Significance.